The following is an entry in ClinVar:

ClinVar aggregate classification (germline): Conflicting classifications of pathogenicity. Review status: criteria provided, conflicting classifications (1 of 4 stars). 2 submissions from 2 submitters: Uncertain significance (1); Likely benign (1). Last evaluated 2021-03-24.

Allele frequency attached by ClinVar (database versions not stated): gnomAD exomes 0.00002; TOPMed 0.00002; ExAC 0.00003; gnomAD 0.00005; ESP Exome Variant Server 0.00008.
gnomAD v4.1: 25 of 1,614,004 alleles (0.0015%); highest among the groups gnomAD compares: African/African-American, 0.027%; no homozygotes.

Submissions (2):

GeneDx
Classification: Likely benign. Last evaluated: 2021-03-24. Review status: criteria provided, single submitter. Criteria: GeneDx Variant Classification Process June 2021. Collection method: clinical testing. Allele origin: germline. Affected: yes.
Comment: See Variant Classification Assertion Criteria.

Revvity Omics, Revvity
Classification: Uncertain significance. Last evaluated: 2019-08-14. Review status: criteria provided, single submitter. Criteria: ACMG Guidelines, 2015. Collection method: clinical testing. Allele origin: germline.

NM_001267550.2(TTN):c.133G>C (p.Val45Leu)

Gene: TTN (titin; minus strand). Cytogenetic location: 2q31.2.
Variant type: single nucleotide variant.
Coding change: c.133G>C on transcript NM_001267550.2 (MANE Select); coding-DNA position 133, G replaced by C.
Protein change: p.Val45Leu; replaces valine 45 with leucine.
Molecular consequence: missense variant.
Genome position (GRCh38, 1-based): chr2:178,802,300, C>G on the plus strand (G>C on the coding strand, the complement: TTN is on the minus strand). VCF-style: chr2-178802300-C-G. GRCh37 (hg19) VCF-style: chr2-179667027-C-G.
Other names: c.133G>C, p.Val45Leu (NM_001256850.1, NM_003319.4, NM_133378.4 and 3 more transcripts); short protein forms V45L.
Identifiers: ClinVar variation 1678857 (VCV001678857.4), dbSNP rs142028110, ClinGen allele CA2006411.